The following is an entry in ClinVar:

ClinVar aggregate classification (germline): Uncertain significance. Review status: criteria provided, multiple submitters, no conflicts (2 of 4 stars). 2 submissions from 2 submitters: Uncertain significance (2). Last evaluated 2025-06-22.

Conditions:
Inborn genetic diseases. Identifiers: MedGen C0950123, MeSH D030342.
Gamma-aminobutyric acid transaminase deficiency (GABATD). Also called: GABA aminotransaminase deficiency; GABA transaminase deficiency; Gamma aminobutyrate transaminase deficiency; 4 alpha aminobutyrate transaminase deficiency. Identifiers: Orphanet 2066, MedGen C0342708, MONDO:0013166, OMIM 613163.

Allele frequency attached by ClinVar (database versions not stated): gnomAD exomes 0.00001; gnomAD 0.00002; TOPMed 0.00002.
gnomAD v4.1: 26 of 1,613,924 alleles (0.0016%); highest among the groups gnomAD compares: Non-Finnish European, 0.002%; no homozygotes.

Submissions (2):

Ambry Genetics
Classification: Uncertain significance for Inborn genetic diseases. Last evaluated: 2025-06-22. Review status: criteria provided, single submitter. Criteria: Ambry Variant Classification Scheme 2023. Collection method: clinical testing. Allele origin: germline.

Labcorp Genetics (formerly Invitae), Labcorp
Classification: Uncertain significance for Gamma-aminobutyric acid transaminase deficiency. Last evaluated: 2022-03-08. Review status: criteria provided, single submitter. Criteria: Invitae Variant Classification Sherloc (09022015). Collection method: clinical testing. Allele origin: germline.
Comment: In summary, the available evidence is currently insufficient to determine the role of this variant in disease. Therefore, it has been classified as a Variant of Uncertain Significance. Algorithms developed to predict the effect of missense changes on protein structure and function are either unavailable or do not agree on the potential impact of this missense change (SIFT: "Deleterious"; PolyPhen-2: "Possibly Damaging"; Align-GVGD: "Class C0"). This variant has not been reported in the literature in individuals affected with ABAT-related conditions. This variant is present in population databases (no rsID available, gnomAD 0.0009%). This sequence change replaces cysteine, which is neutral and slightly polar, with arginine, which is basic and polar, at codon 321 of the ABAT protein (p.Cys321Arg).

NM_020686.6(ABAT):c.961T>C (p.Cys321Arg)

Gene: ABAT (4-aminobutyrate aminotransferase; plus strand). Cytogenetic location: 16p13.2.
Variant type: single nucleotide variant.
Coding change: c.961T>C on transcript NM_020686.6 (MANE Select); coding-DNA position 961, T replaced by C.
Protein change: p.Cys321Arg; replaces cysteine 321 with arginine.
Molecular consequence: missense variant.
Genome position (GRCh38, 1-based): chr16:8,774,896, T>C. VCF-style: chr16-8774896-T-C. GRCh37 (hg19) VCF-style: chr16-8868753-T-C.
Other names: c.961T>C, p.Cys321Arg (NM_000663.5, NM_001127448.2, NM_001386600.1 and 6 more transcripts); c.922T>C, p.Cys308Arg (NM_001386605.1); c.898T>C, p.Cys300Arg (NM_001386606.1, NM_001386607.1); c.868T>C, p.Cys290Arg (NM_001386608.1); c.826T>C, p.Cys276Arg (NM_001386610.1, NM_001386611.1); c.763T>C, p.Cys255Arg (NM_001386612.1, NM_001386613.1); c.715T>C, p.Cys239Arg (NM_001386614.1); c.1057T>C, p.Cys353Arg (NM_001386615.1); and 1 more; short protein forms C290R, C353R, C255R, C276R, C300R, C308R, C321R, C239R.
Identifiers: ClinVar variation 1351675 (VCV001351675.7), dbSNP rs1458922038, ClinGen allele CA394689749.
Genomic context (GRCh38, chr16:8,774,896, plus strand): 5'-ATTTCTGGCCTCCCACGGGTGTTTATTTCTCCCTCCTCTCTCTTCTCCGGCCAGCATGGC[T>C]GCGCCTTCTTGGTGGACGAGGTCCAGACCGGAGGAGGCTGCACGGGCAAGTTCTGGGCCC-3'
Protein context (NP_065737.2, residues 311-331): KLRDIARKHG[Cys321Arg]AFLVDEVQTG